The following is an entry in ClinVar:

NM_001378969.1(KCND3):c.1282G>A (p.Ala428Thr)

Gene: KCND3 (potassium voltage-gated channel subfamily D member 3; minus strand). Cytogenetic location: 1p13.2.
Variant type: single nucleotide variant.
Coding change: c.1282G>A on transcript NM_001378969.1 (MANE Select); coding-DNA position 1282, G replaced by A.
Protein change: p.Ala428Thr; replaces alanine 428 with threonine.
Molecular consequence: missense variant.
Genome position (GRCh38, 1-based): chr1:111,780,779, C>T on the plus strand (G>A on the coding strand, the complement: KCND3 is on the minus strand). VCF-style: chr1-111780779-C-T. GRCh37 (hg19) VCF-style: chr1-112323401-C-T.
Other names: c.1282G>A, p.Ala428Thr (NM_001378970.1, NM_004980.5, NM_172198.3); short protein forms A428T.
Identifiers: ClinVar variation 3720105 (VCV003720105.2).

ClinVar aggregate classification (germline): Uncertain significance (1 of 4 stars; one submission).

Conditions:
Spinocerebellar ataxia type 19/22 (SCA19). Also called: SPINOCEREBELLAR ATAXIA 19; SPINOCEREBELLAR ATAXIA 22. Identifiers: Orphanet 98772, MedGen C1846367, MONDO:0011819, OMIM 607346.

Submission:

Labcorp Genetics (formerly Invitae), Labcorp
Classification: Uncertain significance for Spinocerebellar ataxia type 19/22. Last evaluated: 2024-10-16. Review status: criteria provided, single submitter. Criteria: Invitae Variant Classification Sherloc (09022015). Collection method: clinical testing. Allele origin: germline.
Comment: This sequence change replaces alanine, which is neutral and non-polar, with threonine, which is neutral and polar, at codon 428 of the KCND3 protein (p.Ala428Thr). This variant is not present in population databases (gnomAD no frequency). This variant has not been reported in the literature in individuals affected with KCND3-related conditions. Invitae Evidence Modeling of protein sequence and biophysical properties (such as structural, functional, and spatial information, amino acid conservation, physicochemical variation, residue mobility, and thermodynamic stability) indicates that this missense variant is not expected to disrupt KCND3 protein function with a negative predictive value of 95%. In summary, the available evidence is currently insufficient to determine the role of this variant in disease. Therefore, it has been classified as a Variant of Uncertain Significance.